The following is an entry in ClinVar:

NM_001374736.1(DST):c.20367G>A (p.Ser6789=)

Gene: DST (dystonin; minus strand). Cytogenetic location: 6p12.1.
Variant type: single nucleotide variant.
Coding change: c.20367G>A on transcript NM_001374736.1 (MANE Select); coding-DNA position 20367, G replaced by A.
Protein change: p.Ser6789=; no amino-acid change (serine 6789 retained).
Molecular consequence: synonymous variant.
Genome position (GRCh38, 1-based): chr6:56,494,037, C>T on the plus strand (G>A on the coding strand, the complement: DST is on the minus strand). VCF-style: chr6-56494037-C-T. GRCh37 (hg19) VCF-style: chr6-56358835-C-T.
Other names: c.14010G>A, p.Ser4670= (NM_001144769.5); c.13596G>A, p.Ser4532= (NM_001144770.2); c.20367G>A, p.Ser6789= (NM_001374722.1); c.19407G>A, p.Ser6469= (NM_001374729.1); c.13149G>A, p.Ser4383= (NM_001374730.1); c.20394G>A, p.Ser6798= (NM_001374734.1); c.13476G>A, p.Ser4492= (NM_001386100.1, NM_183380.4); c.12498G>A, p.Ser4166= (NM_015548.5).
Identifiers: ClinVar variation 1106690 (VCV001106690.15), dbSNP rs527722818, ClinGen allele CA3866771.

ClinVar aggregate classification (germline): Likely benign. Review status: criteria provided, multiple submitters, no conflicts (2 of 4 stars). 2 submissions from 2 submitters: Likely benign (2). Last evaluated 2025-11-01.

Conditions:
Hereditary sensory and autonomic neuropathy type 6. Also called: Neuropathy, hereditary sensory and autonomic, type VI; HSAN VI. Identifiers: Orphanet 314381, MedGen C3539003, MONDO:0013839, OMIM 614653.
Epidermolysis bullosa simplex 3, localized or generalized intermediate, with BP230 deficiency (EBS3). Also called: Epidermolysis bullosa simplex due to BP230 deficiency; Epidermolysis bullosa simplex, autosomal recessive 2. Identifiers: Orphanet 412181, MedGen C3809470, MONDO:0014180, OMIM 615425.

Allele frequency attached by ClinVar (database versions not stated): gnomAD 0.00001 and 0.00002; gnomAD exomes 0.00001 and 0.00002; TOPMed 0.00001; ExAC 0.00003; 1000 Genomes Project 30x 0.00016; 1000 Genomes Project 0.00020.
gnomAD v4.1: 24 of 1,598,760 alleles (0.0015%); highest among the groups gnomAD compares: Middle Eastern, 0.05%; no homozygotes.

Submissions (2):

CeGaT Center for Human Genetics Tuebingen
Classification: Likely benign. Last evaluated: 2025-11-01. Review status: criteria provided, single submitter. Criteria: CeGaT Center For Human Genetics Tuebingen Variant Classification Criteria Version 2. Collection method: clinical testing. Allele origin: germline. Affected: yes. Observed: 1 variant allele.
Comment: DST: BP4, BP7

Labcorp Genetics (formerly Invitae), Labcorp
Classification: Likely benign for Epidermolysis bullosa simplex 3, localized or generalized intermediate, with BP230 deficiency; Hereditary sensory and autonomic neuropathy type 6. Last evaluated: 2024-11-30. Review status: criteria provided, single submitter. Criteria: Invitae Variant Classification Sherloc (09022015). Collection method: clinical testing. Allele origin: germline.